The following is an entry in ClinVar:

ClinVar aggregate classification (germline): Likely benign. Review status: criteria provided, multiple submitters, no conflicts (2 of 4 stars). 3 submissions from 3 submitters: Likely benign (3). Last evaluated 2025-01-30.

Conditions:
Baraitser-winter syndrome 2. Identifiers: Orphanet 2995, MedGen C3281235, MONDO:0013812, OMIM 614583.
Autosomal dominant nonsyndromic hearing loss 20. Identifiers: Orphanet 90635, MedGen C1858172, MONDO:0011480, OMIM 604717.

Allele frequency attached by ClinVar (database versions not stated): ESP Exome Variant Server 0.00008; TOPMed 0.00009.
gnomAD v4.1: 100 of 1,613,866 alleles (0.0062%); highest among the groups gnomAD compares: Non-Finnish European, 0.0074%; no homozygotes.

Submissions (3):

Labcorp Genetics (formerly Invitae), Labcorp
Classification: Likely benign for Baraitser-winter syndrome 2; Autosomal dominant nonsyndromic hearing loss 20. Last evaluated: 2025-01-30. Review status: criteria provided, single submitter. Criteria: Invitae Variant Classification Sherloc (09022015). Collection method: clinical testing. Allele origin: germline.

Blueprint Genetics
Classification: Likely benign. Last evaluated: 2021-12-29. Review status: criteria provided, single submitter. Criteria: ACMG Guidelines, 2015. Collection method: clinical testing. Allele origin: germline.

Laboratory for Molecular Medicine, Mass General Brigham Personalized Medicine
Classification: Likely benign. Last evaluated: 2017-04-25. Review status: criteria provided, single submitter. Criteria: LMM Criteria. Collection method: clinical testing. Allele origin: germline. Observed: 2 variant alleles.
Comment: p.Ala144Ala in exon 04 of ACTG1: This variant is not expected to have clinical s ignificance because it does not alter an amino acid residue, is not located with in the splice consensus sequence, and has been identified in 14/111160 European chromosomes by the Genome Aggregation Consortium (gnomAD; dbSNP rs372748659).

NM_001614.5(ACTG1):c.432C>T (p.Ala144=)

Gene: ACTG1 (actin gamma 1; minus strand). Cytogenetic location: 17q25.3.
Variant type: single nucleotide variant.
Coding change: c.432C>T on transcript NM_001614.5 (MANE Select); coding-DNA position 432, C replaced by T.
Protein change: p.Ala144=; no amino-acid change (alanine 144 retained).
Molecular consequence: synonymous variant. On other transcripts: non-coding transcript variant (1).
Genome position (GRCh38, 1-based): chr17:81,511,558, G>A on the plus strand (C>T on the coding strand, the complement: ACTG1 is on the minus strand). VCF-style: chr17-81511558-G-A. GRCh37 (hg19) VCF-style: chr17-79478584-G-A.
Other names: c.432C>T, p.Ala144= (NM_001199954.3).
Identifiers: ClinVar variation 162718 (VCV000162718.8), dbSNP rs372748659, ClinGen allele CA175211.